The following is an entry in ClinVar:

NM_001031715.3(IQCH):c.1163del (p.Phe388fs)

Gene: IQCH (IQ motif containing H; plus strand). Cytogenetic location: 15q23.
Variant type: Deletion.
Coding change: c.1163del on transcript NM_001031715.3 (MANE Select); coding-DNA position 1163, one base deleted (T; older notation c.1163delT).
Protein change: p.Phe388fs; shifts the reading frame from phenylalanine 388.
Molecular consequence: frameshift variant. On other transcripts: non-coding transcript variant (1).
Genome position (GRCh38, 1-based): chr15:67,372,520, T deleted; the last of 2 consecutive T bases (chr15:67,372,519-67,372,520); deleting either gives the same sequence. VCF-style (leftmost placement, unchanged base first): chr15-67372518-AT-A. GRCh37 (hg19) VCF-style: chr15-67664856-AT-A.
Other names: c.407del, p.Phe136fs (NM_001284347.2, NM_001322471.2, NM_001322472.2); c.419del, p.Phe140fs (NM_001284348.2); c.644del, p.Phe215fs (NM_001284349.2, NM_001322470.2, NM_001322473.2 and 2 more transcripts); short protein forms F136fs, F140fs, F215fs, F388fs.
Identifiers: ClinVar variation 4880136 (VCV004880136.1).

ClinVar aggregate classification (germline): Pathogenic (1 of 4 stars; one submission).

Conditions:
Primary ciliary dyskinesia. Also called: Ciliary dyskinesia. Identifiers: Orphanet 244, MedGen C0008780, MONDO:0016575, HP:0012265.

Submission:

Department of Human Genetics, Hannover Medical School
Classification: Pathogenic for Primary Ciliary Dyskinesia. Last evaluated: 2026-04-01. Review status: criteria provided, single submitter. Criteria: ACMG Guidelines, 2015. Collection method: research. Allele origin: germline. Affected: no.
Comment: Classification performed by HerediClassify using the following criteria:['PM2_supporting: Variant occures does not occur as homozygous in gnomAD.', 'PVS1_protein_very_strong: Transcript ENST00000335894 is predicted to undergo NMD.', "PP4_moderate: The PICADAR socre of 8.0 exceeds threshold of 8 achieving 'strong' evidence strength."]